The following is an entry in ClinVar:

NM_005045.4(RELN):c.8667+6G>C

Genes: RELN (reelin; minus strand), SLC26A5-AS1 (SLC26A5 antisense RNA 1; plus strand). Cytogenetic location: 7q22.1.
Variant type: single nucleotide variant.
Coding change: c.8667+6G>C on transcript NM_005045.4 (MANE Select); 6 bases into the intron after coding-DNA position 8667, G replaced by C.
Molecular consequence: intron variant.
Genome position (GRCh38, 1-based): chr7:103,500,739, C>G on the plus strand (G>C on the coding strand, the complement: RELN is on the minus strand). VCF-style: chr7-103500739-C-G. GRCh37 (hg19) VCF-style: chr7-103141186-C-G.
Other names: c.8667+6G>C (NM_173054.3).
Identifiers: ClinVar variation 854000 (VCV000854000.7), dbSNP rs770342200, ClinGen allele CA4420436.
Genomic context (GRCh38, chr7:103,500,739, plus strand): 5'-ATAAGTTGGTTCCTAGGCATGACCCATGATGTGAGTAATGCGTCTTGTCCAGGGCTTTAC[C>G]CTTACCTTCAGAGTGTGGGTCAAGTAGCAGTTTGGCCCTGAGTATCCCGGATCACAGATG-3'

ClinVar aggregate classification (germline): Uncertain significance (1 of 4 stars; one submission).

Conditions:
Familial temporal lobe epilepsy 7. Identifiers: Orphanet 101046, MedGen C4225327, MONDO:0014639, OMIM 616436.
Norman-Roberts syndrome (LIS2). Also called: Lissencephaly 2 (Norman-Roberts type). Identifiers: Orphanet 89844, MedGen C0796089, MONDO:0009760, OMIM 257320.

Allele frequency attached by ClinVar (database versions not stated): gnomAD exomes 0.00001; ExAC 0.00002; TOPMed 0.00004.
gnomAD v4.1: 14 of 1,613,724 alleles (0.00087%); highest among the groups gnomAD compares: Admixed American, 0.015%; no homozygotes.

Submission:

Labcorp Genetics (formerly Invitae), Labcorp
Classification: Uncertain significance for Familial temporal lobe epilepsy 7; Norman-Roberts syndrome. Last evaluated: 2025-12-08. Review status: criteria provided, single submitter. Criteria: Invitae Variant Classification Sherloc (09022015). Collection method: clinical testing. Allele origin: germline.
Comment: This sequence change falls in intron 53 of the RELN gene. It does not directly change the encoded amino acid sequence of the RELN protein. It affects a nucleotide within the consensus splice site. This variant is present in population databases (rs770342200, gnomAD 0.01%). This variant has not been reported in the literature in individuals affected with RELN-related conditions. ClinVar contains an entry for this variant (Variation ID: 854000). Variants that disrupt the consensus splice site are a relatively common cause of aberrant splicing (PMID: 17576681, 9536098). Algorithms developed to predict the effect of sequence changes on RNA splicing suggest that this variant is not likely to affect RNA splicing. In summary, the available evidence is currently insufficient to determine the role of this variant in disease. Therefore, it has been classified as a Variant of Uncertain Significance.

Literature cited by the submitters: PubMed 17576681; PubMed 9536098.